The following is an entry in ClinVar:

NM_001042492.3(NF1):c.512A>C (p.Asn171Thr)

Gene: NF1 (neurofibromin 1; plus strand). Cytogenetic location: 17q11.2.
Variant type: single nucleotide variant.
Coding change: c.512A>C on transcript NM_001042492.3 (MANE Select); coding-DNA position 512, A replaced by C.
Protein change: p.Asn171Thr; replaces asparagine 171 with threonine.
Molecular consequence: missense variant.
Genome position (GRCh38, 1-based): chr17:31,169,923, A>C. VCF-style: chr17-31169923-A-C. GRCh37 (hg19) VCF-style: chr17-29496941-A-C.
Other names: c.512A>C, p.Asn171Thr (NM_000267.4, NM_001128147.3); short protein forms N171T.
Identifiers: ClinVar variation 639534 (VCV000639534.4), dbSNP rs767500770, ClinGen allele CA398984958.

ClinVar aggregate classification (germline): Uncertain significance (1 of 4 stars; one submission).

Conditions:
Neurofibromatosis, type 1 (NF1). Also called: NEUROFIBROMATOSIS, TYPE I, SOMATIC; VON RECKLINGHAUSEN DISEASE; Peripheral type neurofibromatosis; Neurofibromatosis, type I. Identifiers: Orphanet 636, MedGen C0027831, MONDO:0018975, OMIM 162200. Disease mechanism: loss of function.

Submission:

Labcorp Genetics (formerly Invitae), Labcorp
Classification: Uncertain significance for Neurofibromatosis, type 1. Last evaluated: 2018-08-08. Review status: criteria provided, single submitter. Criteria: Invitae Variant Classification Sherloc (09022015). Collection method: clinical testing. Allele origin: germline.
Comment: In summary, the available evidence is currently insufficient to determine the role of this variant in disease. Therefore, it has been classified as a Variant of Uncertain Significance. Algorithms developed to predict the effect of missense changes on protein structure and function (SIFT, PolyPhen-2, Align-GVGD) all suggest that this variant is likely to be tolerated, but these predictions have not been confirmed by published functional studies and their clinical significance is uncertain. This variant has not been reported in the literature in individuals with NF1-related disease. This variant is not present in population databases (ExAC no frequency). This sequence change replaces asparagine with threonine at codon 171 of the NF1 protein (p.Asn171Thr). The asparagine residue is moderately conserved and there is a small physicochemical difference between asparagine and threonine.